The following is an entry in ClinVar:

ClinVar aggregate classification (germline): Uncertain significance (1 of 4 stars; one submission).

Conditions:
Hereditary cancer-predisposing syndrome. Also called: Hereditary Cancer Syndrome; Hereditary neoplastic syndrome; Neoplastic Syndromes, Hereditary; Tumor predisposition. Identifiers: Orphanet 140162, MedGen C0027672, MeSH D009386, MONDO:0015356.

Allele frequency attached by ClinVar (database versions not stated): gnomAD exomes below 0.00001.
gnomAD v4.1: 1 of 1,614,190 alleles (0.000062%); highest among the groups gnomAD compares: Non-Finnish European, 0.000085%; no homozygotes.

Submission:

Ambry Genetics
Classification: Uncertain significance for Hereditary cancer-predisposing syndrome. Last evaluated: 2023-04-03. Review status: criteria provided, single submitter. Criteria: Ambry Variant Classification Scheme 2023. Collection method: clinical testing. Allele origin: germline.
Comment: The p.L190R variant (also known as c.569T>G), located in coding exon 6 of the FANCC gene, results from a T to G substitution at nucleotide position 569. The leucine at codon 190 is replaced by arginine, an amino acid with dissimilar properties. This amino acid position is highly conserved in available vertebrate species. In addition, this alteration is predicted to be deleterious by in silico analysis. Since supporting evidence is limited at this time, the clinical significance of this alteration remains unclear.

NM_000136.3(FANCC):c.569T>G (p.Leu190Arg)

Genes: FANCC (FA complementation group C; minus strand), AOPEP (aminopeptidase O (putative); plus strand). Cytogenetic location: 9q22.32.
Variant type: single nucleotide variant.
Coding change: c.569T>G on transcript NM_000136.3 (MANE Select); coding-DNA position 569, T replaced by G.
Protein change: p.Leu190Arg; replaces leucine 190 with arginine.
Molecular consequence: missense variant.
Genome position (GRCh38, 1-based): chr9:95,150,040, A>C on the plus strand (T>G on the coding strand, the complement: FANCC is on the minus strand). VCF-style: chr9-95150040-A-C. GRCh37 (hg19) VCF-style: chr9-97912322-A-C.
Other names: c.569T>G, p.Leu190Arg (NM_001243743.2, NM_001243744.2); short protein forms L190R.
Identifiers: ClinVar variation 1749139 (VCV001749139.3), dbSNP rs2541700850, ClinGen allele CA374109755.